The following is an entry in ClinVar:

NM_000070.3(CAPN3):c.202T>C (p.Cys68Arg)

Gene: CAPN3 (calpain 3; plus strand). Cytogenetic location: 15q15.1.
Variant type: single nucleotide variant.
Coding change: c.202T>C on transcript NM_000070.3 (MANE Select); coding-DNA position 202, T replaced by C.
Protein change: p.Cys68Arg; replaces cysteine 68 with arginine.
Molecular consequence: missense variant.
Genome position (GRCh38, 1-based): chr15:42,360,007, T>C. VCF-style: chr15-42360007-T-C. GRCh37 (hg19) VCF-style: chr15-42652205-T-C.
Other names: c.202T>C, p.Cys68Arg (NM_024344.2, NM_173087.2); short protein forms C68R.
Identifiers: ClinVar variation 1687386 (VCV001687386.7), dbSNP rs2141102622, ClinGen allele CA391994806.
Genomic context (GRCh38, chr15:42,360,007, plus strand): 5'-AGCCGCAATTTTCCTATTATCGGAGTGAAAGAGAAGACATTCGAGCAACTTCACAAGAAA[T>C]GTCTAGAAAAGAAAGTTCTTTATGTGGACCCTGAGTTCCCACCGGATGAGACCTCTCTCT-3'
Protein context (NP_000061.1, residues 58-78): EKTFEQLHKK[Cys68Arg]LEKKVLYVDP

ClinVar aggregate classification (germline): Uncertain significance. Review status: criteria provided, multiple submitters, no conflicts (2 of 4 stars). 2 submissions from 2 submitters: Uncertain significance (2). Last evaluated 2022-08-05.

Conditions:
Autosomal recessive limb-girdle muscular dystrophy type 2A (LGMDR1). Also called: Muscular dystrophy, limb-girdle, type 2A, Amish; Limb-girdle muscular dystrophy, type 2A; Calpainopathy; LEYDEN-MOEBIUS MUSCULAR DYSTROPHY; MUSCULAR DYSTROPHY, PELVOFEMORAL. Identifiers: Orphanet 267, MedGen C1869123, MONDO:0009675, OMIM 253600. Disease mechanism: loss of function.

Allele frequency attached by ClinVar (database versions not stated): gnomAD exomes below 0.00001.
gnomAD v4.1: 1 of 1,614,218 alleles (0.000062%); highest among the groups gnomAD compares: Non-Finnish European, 0.000085%; no homozygotes.

Submissions (2):

Labcorp Genetics (formerly Invitae), Labcorp
Classification: Uncertain significance for Autosomal recessive limb-girdle muscular dystrophy type 2A. Last evaluated: 2022-08-05. Review status: criteria provided, single submitter. Criteria: Invitae Variant Classification Sherloc (09022015). Collection method: clinical testing. Allele origin: germline.
Comment: ClinVar contains an entry for this variant (Variation ID: 1687386). Algorithms developed to predict the effect of missense changes on protein structure and function are either unavailable or do not agree on the potential impact of this missense change (SIFT: "Deleterious"; PolyPhen-2: "Probably Damaging"; Align-GVGD: "Class C0"). In summary, the available evidence is currently insufficient to determine the role of this variant in disease. Therefore, it has been classified as a Variant of Uncertain Significance. This variant has not been reported in the literature in individuals affected with CAPN3-related conditions. This sequence change replaces cysteine, which is neutral and slightly polar, with arginine, which is basic and polar, at codon 68 of the CAPN3 protein (p.Cys68Arg). This variant is not present in population databases (gnomAD no frequency).

3billion
Classification: Uncertain significance for Autosomal recessive limb-girdle muscular dystrophy type 2A. Last evaluated: 2022-05-22. Review status: criteria provided, single submitter. Criteria: ACMG Guidelines, 2015. Collection method: clinical testing. Allele origin: germline. Affected: yes. Observed: 1 heterozygote.
Comment: The variant is not observed in the gnomAD v2.1.1 dataset. In silico tool predictions suggest damaging effect of the variant on gene or gene product (REVEL: 0.88; 3Cnet: 0.90). Therefore, this variant is classified as uncertain significanceaccording to the recommendation of ACMG/AMP guideline.